The following is an entry in ClinVar:

ClinVar aggregate classification (germline): Uncertain significance (1 of 4 stars; one submission).

Conditions:
Hereditary cancer-predisposing syndrome. Also called: Neoplastic Syndromes, Hereditary; Tumor predisposition; Hereditary Cancer Syndrome; Hereditary neoplastic syndrome. Identifiers: Orphanet 140162, MedGen C0027672, MeSH D009386, MONDO:0015356.

gnomAD v4.1: 1 of 1,614,192 alleles (0.000062%); highest among the groups gnomAD compares: Non-Finnish European, 0.000085%; no homozygotes.

Submission:

Ambry Genetics
Classification: Uncertain significance for Hereditary cancer-predisposing syndrome. Last evaluated: 2026-04-27. Review status: criteria provided, single submitter. Criteria: Ambry Variant Classification Scheme 2023. Collection method: clinical testing. Allele origin: germline.
Comment: The p.G1508A variant (also known as c.4523G>C), located in coding exon 29 of the ALK gene, results from a G to C substitution at nucleotide position 4523. The glycine at codon 1508 is replaced by alanine, an amino acid with similar properties. This amino acid position is highly conserved in available vertebrate species. In addition, the in silico prediction for this alteration is inconclusive. Based on the available evidence, the clinical significance of this variant remains unclear.

NM_004304.5(ALK):c.4523G>C (p.Gly1508Ala)

Gene: ALK (ALK receptor tyrosine kinase; minus strand). Cytogenetic location: 2p23.2.
Variant type: single nucleotide variant.
Coding change: c.4523G>C on transcript NM_004304.5 (MANE Select); coding-DNA position 4523, G replaced by C.
Protein change: p.Gly1508Ala; replaces glycine 1508 with alanine.
Molecular consequence: missense variant.
Genome position (GRCh38, 1-based): chr2:29,193,564, C>G on the plus strand (G>C on the coding strand, the complement: ALK is on the minus strand). VCF-style: chr2-29193564-C-G. GRCh37 (hg19) VCF-style: chr2-29416430-C-G.
Other names: c.1319G>C, p.Gly440Ala (NM_001353765.2); short protein forms G1508A, G440A.
Identifiers: ClinVar variation 4870164 (VCV004870164.1).